The following is an entry in ClinVar:

ClinVar aggregate classification (germline): Likely benign (1 of 4 stars; one submission).

Allele frequency attached by ClinVar (database versions not stated): 1000 Genomes Project 30x 0.00541; 1000 Genomes Project 0.00609; TOPMed 0.00641.
gnomAD v4.1: 580 of 110,407 alleles (0.53%); highest among the groups gnomAD compares: African/African-American, 1.8%; 4 homozygotes.

Submission:

GeneDx
Classification: Likely benign. Last evaluated: 2018-06-18. Review status: criteria provided, single submitter. Criteria: GeneDx Variant Classification (06012015). Collection method: clinical testing. Allele origin: germline. Affected: yes.
Comment: This variant is considered likely benign or benign based on one or more of the following criteria: it is a conservative change, it occurs at a poorly conserved position in the protein, it is predicted to be benign by multiple in silico algorithms, and/or has population frequency not consistent with disease.

NM_004006.3(DMD):c.3604-230G>A

Gene: DMD (dystrophin; minus strand). Cytogenetic location: Xp21.1.
Variant type: single nucleotide variant.
Coding change: c.3604-230G>A on transcript NM_004006.3 (MANE Select); 230 bases into the intron before coding-DNA position 3604, G replaced by A.
Molecular consequence: intron variant.
Genome position (GRCh38, 1-based): chrX:32,448,868, C>T on the plus strand (G>A on the coding strand, the complement: DMD is on the minus strand). VCF-style: chrX-32448868-C-T. GRCh37 (hg19) VCF-style: chrX-32466985-C-T.
Other names: c.3580-230G>A (NM_000109.4); c.3592-230G>A (NM_004009.3); c.3235-230G>A (NM_004010.3).
Identifiers: ClinVar variation 679482 (VCV000679482.1), dbSNP rs181058942, ClinGen allele CA327993875.